The following continues an entry in ClinVar:

NM_000059.4(BRCA2):c.658_659del (p.Val220fs)

Gene: BRCA2. ClinVar aggregate classification (germline): Pathogenic. Pathogenic (1).

Submissions 34 to 46 of 73:

Laboratory for Molecular Medicine, Mass General Brigham Personalized Medicine
Classification: Pathogenic for Hereditary breast ovarian cancer syndrome. Last evaluated: 2022-11-23. Review status: criteria provided, single submitter. Criteria: ACMG Guidelines, 2015. Collection method: clinical testing. Allele origin: germline. Inheritance: Autosomal dominant inheritance. Not counted in ClinVar's aggregate classification.
Comment: The p.Val220IlefsX4 variant in BRCA2 has been identified in >50 individuals with BRCA2-associated cancers (Frank 1998 PMID:9667259, Berzina 2013 PMID:23767878, Breast Cancer Information Core (BIC) database) and in 3 compound heterozygous individuals with Fanconi anemia (Offit 2003 PMID:14559878, Hirsch 2004 PMID:14670928, Reid 2005 PMID:15689453). It has also been identified in 0.012% (5/41438) of African/African American chromosomes and in 0.003% (2/68004) of European chromosomes by gnomAD (v3.1). This frequency is low enough to be consistent with the frequency of hereditary breast and ovarian cancer (HBOC) in the general population. This variant is predicted to cause a frameshift, which alters the protein’s amino acid sequence beginning at position 220 and leads to a premature termination codon 4 amino acids downstream. This alteration is then predicted to lead to a truncated or absent protein. Heterozygous loss of function of the BRCA2 gene is an established disease mechanism in autosomal dominant hereditary breast and ovarian cancer (HBOC). Additionally, this variant was classified as pathogenic on Apr 22, 2016 by the ClinGen-approved ENIGMA expert panel (Variation ID 9342). In summary, this variant meets criteria to be classified as pathogenic for HBOC in an autosomal dominant manner. ACMG/AMP Criteria applied: PS4, PM2_Supporting, PVS1.

Illumina Laboratory Services, Illumina
Classification: Pathogenic. Last evaluated: 2022-09-19. Review status: criteria provided, single submitter. Criteria: ICSL CNVClassificationCriteria Aug2020. Collection method: clinical testing. Allele origin: unknown. Affected: yes. Not counted in ClinVar's aggregate classification.
Comment: The BRCA2 c.658_659delGT (p.Val220IlefsTer4) variant results in the deletion of two nucleotides at position c.658-659, causing a shift in the protein reading frame that is predicted to result in premature termination of the protein. Loss of normal protein function through either protein truncation or nonsense-mediated mRNA decay is expected. Across a selection of the available literature, the c.658_659delGT variant, also referred to as c.886delGT, has been identified in a heterozygous state in at least eight individuals with breast cancer and one individual with ovarian cancer (PMID: 9667259; PMID: 23767878; PMID: 24504028; PMID: 27153395). The variant has also been observed in a compound heterozygous state in at least seven individuals with Fanconi anemia (PMID: 14670928; PMID: 26064523). The highest frequency of this allele in the Genome Aggregation Database is 0.000126 in the African/African-American population. Based on the available evidence the c.658_659delGT (p.Val220IlefsTer4) variant is classified as pathogenic for hereditary breast and ovarian cancer.

Clinical Genetics Laboratory, Skane University Hospital Lund
Classification: Pathogenic. Last evaluated: 2022-05-27. Review status: criteria provided, single submitter. Criteria: ACMG Guidelines, 2015. Collection method: clinical testing. Allele origin: germline. Affected: yes. Not counted in ClinVar's aggregate classification.

Fulgent Genetics
Classification: Pathogenic for Familial cancer of breast; Medulloblastoma; Familial prostate cancer; Wilms tumor 1; Fanconi anemia complementation group D1; Breast-ovarian cancer, familial, susceptibility to, 2; Glioma susceptibility 3; Pancreatic cancer, susceptibility to, 2. Last evaluated: 2021-10-29. Review status: criteria provided, single submitter. Criteria: ACMG Guidelines, 2015. Collection method: clinical testing. Allele origin: unknown. Not counted in ClinVar's aggregate classification.

Institute of Human Genetics, Clinical Exome/Genome Diagnostics Group, University Hospital Bonn
Classification: Pathogenic for Familial cancer of breast. Last evaluated: 2021-10-29. Review status: criteria provided, single submitter. Criteria: ACMG Guidelines, 2015. Collection method: clinical testing. Allele origin: inherited. Not counted in ClinVar's aggregate classification.
Comment: Incidental finding in clinical exome sequencing. PVS1, PS4, PS5

Institute of Human Genetics, Clinical Exome/Genome Diagnostics Group, University Hospital Bonn
Classification: Pathogenic for Breast-ovarian cancer, familial, susceptibility to, 2. Last evaluated: 2021-10-29. Review status: criteria provided, single submitter. Criteria: ACMG Guidelines, 2015. Collection method: clinical testing. Allele origin: inherited. Not counted in ClinVar's aggregate classification.
Comment: the same text as in the submission from Institute of Human Genetics, Clinical Exome/Genome Diagnostics Group, University Hospital Bonn above.

Institute of Human Genetics, Clinical Exome/Genome Diagnostics Group, University Hospital Bonn
Classification: Pathogenic for Familial prostate cancer. Last evaluated: 2021-10-29. Review status: criteria provided, single submitter. Criteria: ACMG Guidelines, 2015. Collection method: clinical testing. Allele origin: inherited. Not counted in ClinVar's aggregate classification.
Comment: the same text as in the submission from Institute of Human Genetics, Clinical Exome/Genome Diagnostics Group, University Hospital Bonn above.

Institute of Human Genetics, Clinical Exome/Genome Diagnostics Group, University Hospital Bonn
Classification: Pathogenic for Medulloblastoma. Last evaluated: 2021-10-29. Review status: criteria provided, single submitter. Criteria: ACMG Guidelines, 2015. Collection method: clinical testing. Allele origin: inherited. Not counted in ClinVar's aggregate classification.
Comment: the same text as in the submission from Institute of Human Genetics, Clinical Exome/Genome Diagnostics Group, University Hospital Bonn above.

Institute of Human Genetics, Clinical Exome/Genome Diagnostics Group, University Hospital Bonn
Classification: Pathogenic for Wilms tumor 1. Last evaluated: 2021-10-29. Review status: criteria provided, single submitter. Criteria: ACMG Guidelines, 2015. Collection method: clinical testing. Allele origin: inherited. Not counted in ClinVar's aggregate classification.
Comment: the same text as in the submission from Institute of Human Genetics, Clinical Exome/Genome Diagnostics Group, University Hospital Bonn above.

Sema4
Classification: Pathogenic for Hereditary cancer-predisposing syndrome. Last evaluated: 2021-02-10. Review status: criteria provided, single submitter. Criteria: Sema4 Curation Guidelines. Collection method: curation. Allele origin: germline. Not counted in ClinVar's aggregate classification.
Comment: The BRCA2 c.658_659delGT (p.V220Ifs*4) variant has been reported in heterozygosity in numerous individuals with breast, ovarian, and prostate cancer (PMID: 29446198, 9667259, 33478551, 27741520, 31112363, 32875559, 23767878, 32098980). This variant has also been reported in compound heterozygosity in several individuals with Fanconi anemia, complementation group D1 (PMID: 14670928, 26657402). It is also known as c.886_887delGT and c.886delGT in the literature. This variant is a well-established pathogenic variant associated with hereditary breast and ovarian cancer syndrome (PMID: 29446198 ). This variant causes a frameshift at amino acid 220 that results in premature termination 4 amino acids downstream. At this location, this is predicted to cause nonsense-mediated decay and result in an absent protein (loss of function). Loss of function variants in BRCA1 or BRCA2 are known to be pathogenic (PMID: 29446198). This variant was observed in 3/23770 chromosomes in the African/African American population, according to the Genome Aggregation Database (PMID: 32461654). Based on the current evidence available, this variant is interpreted as pathogenic.

Institute of Medical Genetics and Applied Genomics, University Hospital Tübingen
Classification: Pathogenic. Last evaluated: 2020-10-23. Review status: criteria provided, single submitter. Criteria: ACMG Guidelines, 2015. Collection method: clinical testing. Allele origin: germline. Inheritance: Autosomal unknown. Affected: yes. Not counted in ClinVar's aggregate classification.

Department of Molecular Diagnostics, Institute of Oncology Ljubljana
Classification: Pathogenic for Breast-ovarian cancer, familial, susceptibility to, 1. Last evaluated: 2020-04-02. Review status: criteria provided, single submitter. Criteria: ACMG Guidelines, 2015. Collection method: clinical testing. Allele origin: germline. Affected: yes. Not counted in ClinVar's aggregate classification.

GeneDx
Classification: Pathogenic. Last evaluated: 2020-03-16. Review status: criteria provided, single submitter. Criteria: GeneDx Variant Classification Process June 2021. Collection method: clinical testing. Allele origin: germline. Affected: yes. Not counted in ClinVar's aggregate classification.
Comment: Frameshift variant predicted to result in protein truncation or nonsense mediated decay in a gene for which loss-of-function is a known mechanism of disease; Observed in the heterozygous state in individuals from hereditary breast and ovarian cancer families (Frank 1998, Jakubowska 2003, Machado 2007, Berzina 2013, Cunningham 2014, de Juan 2015); Observed in the compound heterozygous state with a second pathogenic BRCA2 variant in patients with Fanconi anemia (Alter 2007, Miele 2015); Truncating variants in this gene are considered pathogenic by a well-established clinical consortium and/or database; Also known as 886delGT; This variant is associated with the following publications: (PMID: 9667259, 14647210, 15689453, 27836010, 26681312, 30128899, 17513806, 23767878, 24504028, 26026974, 16825431, 26064523, 26779294, 24528374, 26843898, 22535016, 27376475, 27153395, 26657402, 27831900, 14559878, 14670928, 28724667, 28324225, 28166811, 22009639, 29339979, 29753700, 29492181, 30078507, 29310832, 30350268, 30630528, 30122538, 30720243, 29790872, 29575201, 30093976, 31411802, 31396961, 31263054, 31957001, 27741520, 29625052, 26689913, 32318955, 31447099, 31980526, 31948886, 34008015, 32467295, 31589614, 32341426, 31825140, 32719484, 30787465)